The following is an entry in ClinVar:

ClinVar aggregate classification (germline): Benign/Likely benign. Review status: criteria provided, multiple submitters, no conflicts (2 of 4 stars). 3 submissions from 3 submitters: Benign (1); Likely benign (2). Last evaluated 2025-11-12.

Allele frequency attached by ClinVar (database versions not stated): gnomAD exomes 0.00027 and 0.00055; ExAC 0.00093; ESP Exome Variant Server 0.00246; gnomAD 0.00282 and 0.00302; TOPMed 0.00335; 1000 Genomes Project 0.00419; 1000 Genomes Project 30x 0.00437.
gnomAD v4.1: 853 of 1,611,296 alleles (0.053%); highest among the groups gnomAD compares: African/African-American, 0.98%; 8 homozygotes.

Submissions (3):

Labcorp Genetics (formerly Invitae), Labcorp
Classification: Benign. Last evaluated: 2025-11-12. Review status: criteria provided, single submitter. Criteria: Invitae Variant Classification Sherloc (09022015). Collection method: clinical testing. Allele origin: germline.

Blueprint Genetics
Classification: Likely benign. Last evaluated: 2024-06-24. Review status: criteria provided, single submitter. Criteria: ACMG Guidelines, 2015. Collection method: clinical testing. Allele origin: germline.

CeGaT Center for Human Genetics Tuebingen
Classification: Likely benign. Last evaluated: 2023-02-01. Review status: criteria provided, single submitter. Criteria: CeGaT Center For Human Genetics Tuebingen Variant Classification Criteria Version 2. Collection method: clinical testing. Allele origin: germline. Affected: yes. Observed: 1 variant allele.
Comment: LAMA1: BP4, BS2

NM_005559.4(LAMA1):c.2299G>A (p.Val767Ile)

Gene: LAMA1 (laminin subunit alpha 1; minus strand). Cytogenetic location: 18p11.31.
Variant type: single nucleotide variant.
Coding change: c.2299G>A on transcript NM_005559.4 (MANE Select); coding-DNA position 2299, G replaced by A.
Protein change: p.Val767Ile; replaces valine 767 with isoleucine.
Molecular consequence: missense variant.
Genome position (GRCh38, 1-based): chr18:7,026,082, C>T on the plus strand (G>A on the coding strand, the complement: LAMA1 is on the minus strand). VCF-style: chr18-7026082-C-T. GRCh37 (hg19) VCF-style: chr18-7026081-C-T.
Other names: short protein forms V767I.
Identifiers: ClinVar variation 717789 (VCV000717789.33), dbSNP rs149611371, ClinGen allele CA8882687.
Genomic context (GRCh38, chr18:7,026,082, plus strand): 5'-CCCCAGGTGTCCCTCGGGAAGGCTCCCCGTAGAAGCCGGGCAAGCACTGCTCACAGTGGA[C>T]GCCGGTGGTGTTGTGCGCACACGCCTAGGAACATGCACCAGAAGAATCAGCTCAGGTTGT-3'
Protein context (NP_005550.2, residues 757-777): CIACAHNTTG[Val767Ile]HCEQCLPGFY